The following is an entry in ClinVar:

NM_000485.3(APRT):c.15G>C (p.Glu5Asp)

Genes: APRT (adenine phosphoribosyltransferase; minus strand), LOC130059760 (ATAC-STARR-seq lymphoblastoid silent region 7879; plus strand). Cytogenetic location: 16q24.3.
Variant type: single nucleotide variant.
Coding change: c.15G>C on transcript NM_000485.3 (MANE Select); coding-DNA position 15, G replaced by C.
Protein change: p.Glu5Asp; replaces glutamic acid 5 with aspartic acid.
Molecular consequence: missense variant.
Genome position (GRCh38, 1-based): chr16:88,811,885, C>G on the plus strand (G>C on the coding strand, the complement: APRT is on the minus strand). VCF-style: chr16-88811885-C-G. GRCh37 (hg19) VCF-style: chr16-88878293-C-G.
Other names: c.15G>C, p.Glu5Asp (NM_001030018.2); short protein forms E5D.
Identifiers: ClinVar variation 1983115 (VCV001983115.4), dbSNP rs1439204324, ClinGen allele CA397091575.

ClinVar aggregate classification (germline): Uncertain significance (1 of 4 stars; one submission).

Allele frequency attached by ClinVar (database versions not stated): TOPMed 0.00001.

Submission:

Labcorp Genetics (formerly Invitae), Labcorp
Classification: Uncertain significance. Last evaluated: 2025-04-28. Review status: criteria provided, single submitter. Criteria: Invitae Variant Classification Sherloc (09022015). Collection method: clinical testing. Allele origin: germline.
Comment: This sequence change replaces glutamic acid, which is acidic and polar, with aspartic acid, which is acidic and polar, at codon 5 of the APRT protein (p.Glu5Asp). This variant is not present in population databases (gnomAD no frequency). This variant has not been reported in the literature in individuals affected with APRT-related conditions. ClinVar contains an entry for this variant (Variation ID: 1983115). An algorithm developed to predict the effect of missense changes on protein structure and function (PolyPhen-2) suggests that this variant is likely to be tolerated. In summary, the available evidence is currently insufficient to determine the role of this variant in disease. Therefore, it has been classified as a Variant of Uncertain Significance.